The following is an entry in ClinVar:

NM_001005373.4(LRSAM1):c.1819G>T (p.Asp607Tyr)

Gene: LRSAM1 (leucine rich repeat and sterile alpha motif containing 1; plus strand). Cytogenetic location: 9q33.3.
Variant type: single nucleotide variant.
Coding change: c.1819G>T on transcript NM_001005373.4 (MANE Select); coding-DNA position 1819, G replaced by T.
Protein change: p.Asp607Tyr; replaces aspartic acid 607 with tyrosine.
Molecular consequence: missense variant. On other transcripts: non-coding transcript variant (2).
Genome position (GRCh38, 1-based): chr9:127,496,084, G>T. VCF-style: chr9-127496084-G-T. GRCh37 (hg19) VCF-style: chr9-130258363-G-T.
Other names: c.1819G>T, p.Asp607Tyr (NM_001005374.4, NM_001384142.1, NM_138361.5); c.1738G>T, p.Asp580Tyr (NM_001190723.3); c.1720G>T, p.Asp574Tyr (NM_001384143.1); c.1030G>T, p.Asp344Tyr (NM_001384144.1); short protein forms D580Y, D607Y, D344Y, D574Y.
Identifiers: ClinVar variation 843003 (VCV000843003.10), dbSNP rs1480003668, ClinGen allele CA374936054.

ClinVar aggregate classification (germline): Uncertain significance (1 of 4 stars; one submission).

Conditions:
Charcot-Marie-Tooth disease axonal type 2P. Also called: Charcot-Marie-Tooth Neuropathy Type 2G; CHARCOT-MARIE-TOOTH DISEASE, AXONAL, TYPE 2G; CMT 2G; CHARCOT-MARIE-TOOTH NEUROPATHY, TYPE 2P. Identifiers: Orphanet 300319, Orphanet 99941, MedGen C3280797, MONDO:0013753, OMIM 614436.

Allele frequency attached by ClinVar (database versions not stated): TOPMed below 0.00001.

Submission:

Labcorp Genetics (formerly Invitae), Labcorp
Classification: Uncertain significance for Charcot-Marie-Tooth disease axonal type 2P. Last evaluated: 2019-12-19. Review status: criteria provided, single submitter. Criteria: Invitae Variant Classification Sherloc (09022015). Collection method: clinical testing. Allele origin: germline.
Comment: In summary, the available evidence is currently insufficient to determine the role of this variant in disease. Therefore, it has been classified as a Variant of Uncertain Significance. Algorithms developed to predict the effect of sequence changes on RNA splicing suggest that this variant may create or strengthen a splice site, but this prediction has not been confirmed by published transcriptional studies. Algorithms developed to predict the effect of missense changes on protein structure and function (SIFT, PolyPhen-2, Align-GVGD) all suggest that this variant is likely to be disruptive, but these predictions have not been confirmed by published functional studies and their clinical significance is uncertain. This variant has not been reported in the literature in individuals with LRSAM1-related conditions. This variant is not present in population databases (ExAC no frequency). This sequence change replaces aspartic acid with tyrosine at codon 607 of the LRSAM1 protein (p.Asp607Tyr). The aspartic acid residue is highly conserved and there is a large physicochemical difference between aspartic acid and tyrosine.